The following is an entry in ClinVar:

ClinVar aggregate classification (germline): Uncertain significance (1 of 4 stars; one submission).

gnomAD v4.1: 4 of 1,613,976 alleles (0.00025%); highest among the groups gnomAD compares: African/African-American, 0.0027%; no homozygotes.

Submission:

GeneDx
Classification: Uncertain significance. Last evaluated: 2024-06-20. Review status: criteria provided, single submitter. Criteria: GeneDx Variant Classification Process June 2021. Collection method: clinical testing. Allele origin: germline. Affected: yes.
Comment: Not observed at significant frequency in large population cohorts (gnomAD); In silico analysis indicates that this missense variant does not alter protein structure/function; Has not been previously published as pathogenic or benign to our knowledge

NM_001042424.3(NSD2):c.1232C>T (p.Thr411Ile)

Gene: NSD2 (nuclear receptor binding SET domain protein 2; plus strand). Cytogenetic location: 4p16.3.
Variant type: single nucleotide variant.
Coding change: c.1232C>T on transcript NM_001042424.3 (MANE Select); coding-DNA position 1232, C replaced by T.
Protein change: p.Thr411Ile; replaces threonine 411 with isoleucine.
Molecular consequence: missense variant.
Genome position (GRCh38, 1-based): chr4:1,918,445, C>T. VCF-style: chr4-1918445-C-T. GRCh37 (hg19) VCF-style: chr4-1920172-C-T.
Other names: c.1232C>T, p.Thr411Ile (NM_007331.2, NM_133330.3, NM_133331.3 and 2 more transcripts); short protein forms T411I.
Identifiers: ClinVar variation 3391770 (VCV003391770.1).